The following is an entry in ClinVar:

NM_022114.4(PRDM16):c.2691+4C>T

Gene: PRDM16 (PR/SET domain 16; plus strand). Cytogenetic location: 1p36.32.
Variant type: single nucleotide variant.
Coding change: c.2691+4C>T on transcript NM_022114.4 (MANE Select); 4 bases into the intron after coding-DNA position 2691, C replaced by T.
Molecular consequence: intron variant.
Genome position (GRCh38, 1-based): chr1:3,414,651, C>T. VCF-style: chr1-3414651-C-T. GRCh37 (hg19) VCF-style: chr1-3331215-C-T.
Other names: c.2691+4C>T (NM_199454.3).
Identifiers: ClinVar variation 851273 (VCV000851273.11), dbSNP rs374015321, ClinGen allele CA544564.

ClinVar aggregate classification (germline): Conflicting classifications of pathogenicity. Review status: criteria provided, conflicting classifications (1 of 4 stars). 4 submissions from 4 submitters: Uncertain significance (1); Likely benign (1). 2 of the submissions do not count toward it. Last evaluated 2025-07-27.

Conditions:
Left ventricular noncompaction 8 (LVNC8). Identifiers: Orphanet 154, Orphanet 54260, MedGen C3809288, MONDO:0014152, OMIM 615373.

Allele frequency attached by ClinVar (database versions not stated): gnomAD 0.00005 and 0.00006; gnomAD exomes 0.00006; TOPMed 0.00006; ExAC 0.00007; ESP Exome Variant Server 0.00008.
gnomAD v4.1: 104 of 1,611,216 alleles (0.0065%); highest among the groups gnomAD compares: Admixed American, 0.0084%; no homozygotes.

Submissions (4):

Labcorp Genetics (formerly Invitae), Labcorp
Classification: Uncertain significance for Left ventricular noncompaction 8. Last evaluated: 2025-07-27. Review status: criteria provided, single submitter. Criteria: Invitae Variant Classification Sherloc (09022015). Collection method: clinical testing. Allele origin: germline.
Comment: This sequence change falls in intron 10 of the PRDM16 gene. It does not directly change the encoded amino acid sequence of the PRDM16 protein. It affects a nucleotide within the consensus splice site. This variant is present in population databases (rs374015321, gnomAD 0.01%). This variant has not been reported in the literature in individuals affected with PRDM16-related conditions. ClinVar contains an entry for this variant (Variation ID: 851273). Variants that disrupt the consensus splice site are a relatively common cause of aberrant splicing (PMID: 17576681, 9536098). Algorithms developed to predict the effect of sequence changes on RNA splicing suggest that this variant is not likely to affect RNA splicing. In summary, the available evidence is currently insufficient to determine the role of this variant in disease. Therefore, it has been classified as a Variant of Uncertain Significance.

Blueprint Genetics
Classification: Likely benign. Last evaluated: 2024-11-07. Review status: criteria provided, single submitter. Criteria: ACMG Guidelines, 2015. Collection method: clinical testing. Allele origin: germline.

Genome Diagnostics Laboratory, University Medical Center Utrecht
Classification: Likely benign. Review status: no assertion criteria provided. Collection method: clinical testing. Allele origin: germline. Affected: yes. Study: VKGL Data-share Consensus. Not counted in ClinVar's aggregate classification.

Joint Genome Diagnostic Labs from Nijmegen and Maastricht, Radboudumc and MUMC+
Classification: Likely benign. Review status: no assertion criteria provided. Collection method: clinical testing. Allele origin: germline. Affected: yes. Study: VKGL Data-share Consensus. Not counted in ClinVar's aggregate classification.

Literature cited by the submitters: PubMed 17576681 (cited by Labcorp Genetics (formerly Invitae), Labcorp); PubMed 9536098 (cited by Labcorp Genetics (formerly Invitae), Labcorp).